The following is an entry in ClinVar:

NM_000312.4(PROC):c.1163C>G (p.Ala388Gly)

Gene: PROC (protein C, inactivator of coagulation factors Va and VIIIa; plus strand). Cytogenetic location: 2q14.3.
Variant type: single nucleotide variant.
Coding change: c.1163C>G on transcript NM_000312.4 (MANE Select); coding-DNA position 1163, C replaced by G.
Protein change: p.Ala388Gly; replaces alanine 388 with glycine.
Molecular consequence: missense variant.
Genome position (GRCh38, 1-based): chr2:127,428,723, C>G. VCF-style: chr2-127428723-C-G. GRCh37 (hg19) VCF-style: chr2-128186299-C-G.
Other names: c.1346C>G, p.Ala449Gly (NM_001375602.1); c.1328C>G, p.Ala443Gly (NM_001375603.1); c.1226C>G, p.Ala409Gly (NM_001375604.1); c.1265C>G, p.Ala422Gly (NM_001375605.1); c.1331C>G, p.Ala444Gly (NM_001375606.1); c.1349C>G, p.Ala450Gly (NM_001375607.1); c.1106C>G, p.Ala369Gly (NM_001375608.1); c.1139C>G, p.Ala380Gly (NM_001375609.1); and 2 more; short protein forms A386G, A409G, A450G, A380G, A422G, A443G, A444G, A369G.
Identifiers: ClinVar variation 3712157 (VCV003712157.2).

ClinVar aggregate classification (germline): Uncertain significance (1 of 4 stars; one submission).

Conditions:
Thrombophilia due to protein C deficiency, autosomal dominant. Also called: PROC DEFICIENCY, AUTOSOMAL DOMINANT; PROTEIN C DEFICIENCY, AUTOSOMAL DOMINANT. Identifiers: Orphanet 745, MedGen C2674321, MONDO:0008316, OMIM 176860. Disease mechanism: loss of function.

gnomAD v4.1: 45 of 1,613,516 alleles (0.0028%); highest among the groups gnomAD compares: Non-Finnish European, 0.0037%; no homozygotes.

Submission:

Labcorp Genetics (formerly Invitae), Labcorp
Classification: Uncertain significance for Thrombophilia due to protein C deficiency, autosomal dominant. Last evaluated: 2024-05-16. Review status: criteria provided, single submitter. Criteria: Invitae Variant Classification Sherloc (09022015). Collection method: clinical testing. Allele origin: germline.
Comment: This sequence change replaces alanine, which is neutral and non-polar, with glycine, which is neutral and non-polar, at codon 388 of the PROC protein (p.Ala388Gly). This variant is present in population databases (rs769277939, gnomAD 0.0009%). This variant has not been reported in the literature in individuals affected with PROC-related conditions. Advanced modeling of protein sequence and biophysical properties (such as structural, functional, and spatial information, amino acid conservation, physicochemical variation, residue mobility, and thermodynamic stability) has been performed at Invitae for this missense variant, however the output from this modeling did not meet the statistical confidence thresholds required to predict the impact of this variant on PROC protein function. In summary, the available evidence is currently insufficient to determine the role of this variant in disease. Therefore, it has been classified as a Variant of Uncertain Significance.